The following is an entry in ClinVar:

NM_030962.4(SBF2):c.3109C>T (p.Arg1037Cys)

Genes: SBF2 (SET binding factor 2; minus strand), LOC101928008 (uncharacterized LOC101928008; plus strand). Cytogenetic location: 11p15.4.
Variant type: single nucleotide variant.
Coding change: c.3109C>T on transcript NM_030962.4 (MANE Select); coding-DNA position 3109, C replaced by T.
Protein change: p.Arg1037Cys; replaces arginine 1037 with cysteine.
Molecular consequence: missense variant.
Genome position (GRCh38, 1-based): chr11:9,845,566, G>A on the plus strand (C>T on the coding strand, the complement: SBF2 is on the minus strand). VCF-style: chr11-9845566-G-A. GRCh37 (hg19) VCF-style: chr11-9867113-G-A.
Other names: c.3109C>T, p.Arg1037Cys (NM_001386339.1); c.2980C>T, p.Arg994Cys (NM_001386342.1); short protein forms R1037C, R994C.
Identifiers: ClinVar variation 916932 (VCV000916932.7), dbSNP rs770723203, ClinGen allele CA5881381.

ClinVar aggregate classification (germline): Uncertain significance. Review status: criteria provided, multiple submitters, no conflicts (2 of 4 stars). 3 submissions from 3 submitters: Uncertain significance (3). Last evaluated 2024-04-20.

Conditions:
Charcot-Marie-Tooth disease. Also called: Charcot-Marie-Tooth Hereditary Neuropathy; Charcot-Marie-Tooth Neuropathy. Identifiers: Orphanet 166, MedGen C0007959, MONDO:0015626.
Charcot-Marie-Tooth disease type 4. Also called: Charcot-Marie-Tooth, Type 4; Charcot-Marie-Tooth disease, type IV. Identifiers: Orphanet 64749, MedGen C4082197, MONDO:0018995.

Allele frequency attached by ClinVar (database versions not stated): gnomAD exomes 0.00001; ExAC 0.00002; gnomAD 0.00002; TOPMed 0.00002.
gnomAD v4.1: 15 of 1,613,140 alleles (0.00093%); highest among the groups gnomAD compares: Non-Finnish European, 0.0012%; no homozygotes.

Submissions (3):

Labcorp Genetics (formerly Invitae), Labcorp
Classification: Uncertain significance for Charcot-Marie-Tooth disease type 4. Last evaluated: 2024-04-20. Review status: criteria provided, single submitter. Criteria: Invitae Variant Classification Sherloc (09022015). Collection method: clinical testing. Allele origin: germline.
Comment: This sequence change replaces arginine, which is basic and polar, with cysteine, which is neutral and slightly polar, at codon 1037 of the SBF2 protein (p.Arg1037Cys). This variant is present in population databases (rs770723203, gnomAD 0.002%). This missense change has been observed in individual(s) with clinical features of Charcot-Marie-Tooth disease (PMID: 32376792). ClinVar contains an entry for this variant (Variation ID: 916932). An algorithm developed to predict the effect of missense changes on protein structure and function (PolyPhen-2) suggests that this variant is likely to be tolerated. In summary, the available evidence is currently insufficient to determine the role of this variant in disease. Therefore, it has been classified as a Variant of Uncertain Significance.

Athena Diagnostics
Classification: Uncertain significance. Last evaluated: 2022-08-08. Review status: criteria provided, single submitter. Criteria: Athena Diagnostics Criteria. Collection method: clinical testing. Allele origin: unknown.

Molecular Genetics Laboratory, London Health Sciences Centre
Classification: Uncertain significance for Charcot-Marie-Tooth disease. Review status: criteria provided, single submitter. Criteria: ACMG Guidelines, 2015. Collection method: clinical testing. Allele origin: germline. Affected: yes.

Literature cited by the submitters: PubMed 32376792 (cited by Labcorp Genetics (formerly Invitae), Labcorp and Athena Diagnostics).